The following is an entry in ClinVar:

NM_012471.3(TRPC5):c.1491C>T (p.Phe497=)

Gene: TRPC5 (transient receptor potential cation channel subfamily C member 5; minus strand). Cytogenetic location: Xq23.
Variant type: single nucleotide variant.
Coding change: c.1491C>T on transcript NM_012471.3 (MANE Select); coding-DNA position 1491, C replaced by T.
Protein change: p.Phe497=; no amino-acid change (phenylalanine 497 retained).
Molecular consequence: synonymous variant.
Genome position (GRCh38, 1-based): chrX:111,847,323, G>A on the plus strand (C>T on the coding strand, the complement: TRPC5 is on the minus strand). VCF-style: chrX-111847323-G-A. GRCh37 (hg19) VCF-style: chrX-111090551-G-A.
Identifiers: ClinVar variation 4989853 (VCV004989853.1).

ClinVar aggregate classification (germline): Likely benign (1 of 4 stars; one submission).

Conditions:
TRPC5-related disorder. Also called: TRPC5-related condition.

Submission:

PreventionGenetics, part of Exact Sciences
Classification: Likely benign for TRPC5-related condition. Last evaluated: 2026-04-30. Review status: criteria provided, single submitter. Criteria: ACMG Guidelines, 2015. Collection method: clinical testing. Allele origin: germline.
Comment: This variant is classified as likely benign based on ACMG/AMP sequence variant interpretation guidelines (Richards et al. 2015 PMID: 25741868, with internal and published modifications).